The following is an entry in ClinVar:

NM_032539.5(SLITRK2):c.1674C>T (p.Cys558=)

Gene: SLITRK2 (SLIT and NTRK like family member 2; plus strand). Cytogenetic location: Xq27.3.
Variant type: single nucleotide variant.
Coding change: c.1674C>T on transcript NM_032539.5 (MANE Select); coding-DNA position 1674, C replaced by T.
Protein change: p.Cys558=; no amino-acid change (cysteine 558 retained).
Molecular consequence: synonymous variant.
Genome position (GRCh38, 1-based): chrX:145,824,099, C>T. VCF-style: chrX-145824099-C-T. GRCh37 (hg19) VCF-style: chrX-144905617-C-T.
Other names: c.1674C>T, p.Cys558= (NM_001144004.3, NM_001144005.3, NM_001144006.2 and 4 more transcripts).
Identifiers: ClinVar variation 2661585 (VCV002661585.24), dbSNP rs141386478, ClinGen allele CA10535195.
Genomic context (GRCh38, chrX:145,824,099, plus strand): 5'-GGGGCTGAAAGACTGGACAGAACATGCCAATTCCCCTGTCATCATTAATGAGGTGACTTG[C>T]GAATCTCCTGCTAAGCATGCAGGGGAGATACTAAAATTTCTGGGGAGGGAGGCTATCTGT-3'
Protein context (NP_115928.1, residues 548-568): NSPVIINEVT[Cys558=]ESPAKHAGEI

ClinVar aggregate classification (germline): Likely benign (1 of 4 stars; one submission).

Allele frequency attached by ClinVar (database versions not stated): gnomAD exomes 0.00004; ExAC 0.00014; ESP Exome Variant Server 0.00028; gnomAD 0.00028; TOPMed 0.00029; 1000 Genomes Project 30x 0.00042; 1000 Genomes Project 0.00053.
gnomAD v4.1: 83 of 1,208,932 alleles (0.0069%); highest among the groups gnomAD compares: African/African-American, 0.1%; no homozygotes.

Submission:

CeGaT Center for Human Genetics Tuebingen
Classification: Likely benign. Last evaluated: 2023-02-01. Review status: criteria provided, single submitter. Criteria: CeGaT Center For Human Genetics Tuebingen Variant Classification Criteria Version 2. Collection method: clinical testing. Allele origin: germline. Affected: yes. Observed: 1 variant allele.
Comment: SLITRK2: BP4, BP7, BS2